The following is an entry in ClinVar:

ClinVar aggregate classification (germline): Uncertain significance (1 of 4 stars; one submission).

gnomAD v4.1: 1 of 1,613,956 alleles (0.000062%); highest among the groups gnomAD compares: Non-Finnish European, 0.000085%; no homozygotes.

Submission:

Labcorp Genetics (formerly Invitae), Labcorp
Classification: Uncertain significance. Last evaluated: 2025-10-08. Review status: criteria provided, single submitter. Criteria: Invitae Variant Classification Sherloc (09022015). Collection method: clinical testing. Allele origin: germline.
Comment: This sequence change replaces cysteine, which is neutral and slightly polar, with arginine, which is basic and polar, at codon 1142 of the POLR1A protein (p.Cys1142Arg). This variant is not present in population databases (gnomAD no frequency). This variant has not been reported in the literature in individuals affected with POLR1A-related conditions. Invitae Evidence Modeling of protein sequence and biophysical properties (such as structural, functional, and spatial information, amino acid conservation, physicochemical variation, residue mobility, and thermodynamic stability) indicates that this missense variant is not expected to disrupt POLR1A protein function with a negative predictive value of 80%. In summary, the available evidence is currently insufficient to determine the role of this variant in disease. Therefore, it has been classified as a Variant of Uncertain Significance.

NM_015425.6(POLR1A):c.3424T>C (p.Cys1142Arg)

Gene: POLR1A (RNA polymerase I subunit A; minus strand). Cytogenetic location: 2p11.2.
Variant type: single nucleotide variant.
Coding change: c.3424T>C on transcript NM_015425.6 (MANE Select); coding-DNA position 3424, T replaced by C.
Protein change: p.Cys1142Arg; replaces cysteine 1142 with arginine.
Molecular consequence: missense variant.
Genome position (GRCh38, 1-based): chr2:86,042,037, A>G on the plus strand (T>C on the coding strand, the complement: POLR1A is on the minus strand). VCF-style: chr2-86042037-A-G. GRCh37 (hg19) VCF-style: chr2-86269160-A-G.
Other names: short protein forms C1142R.
Identifiers: ClinVar variation 4691341 (VCV004691341.1).